The following is an entry in ClinVar:

ClinVar aggregate classification (germline): Likely benign (1 of 4 stars; one submission).

Submission:

Women's Health and Genetics/Laboratory Corporation of America, LabCorp
Classification: Likely benign. Last evaluated: 2025-06-18. Review status: criteria provided, single submitter. Criteria: LabCorp Variant Classification Summary - May 2015. Collection method: clinical testing. Allele origin: germline.
Comment: Variant summary: KIF1B c.3285-7dupT alters a nucleotide located at a position not widely known to affect splicing. Consensus agreement among computation tools predict no significant impact on normal splicing. However, these predictions have yet to be confirmed by functional studies. The frequency data for this variant in gnomAD is considered unreliable, as metrics indicate poor data quality at this position. To our knowledge, no occurrence of c.3285-7dupT in individuals affected with Charcot-Marie-Tooth disease type 2A1 and no experimental evidence demonstrating its impact on protein function have been reported. No submitters have cited clinical-significance assessments for this variant to ClinVar. Based on the evidence outlined above, the variant was classified as likely benign.

NM_001365951.3(KIF1B):c.3423-7dup

Gene: KIF1B (kinesin family member 1B; plus strand). Cytogenetic location: 1p36.22.
Variant type: Duplication.
Coding change: c.3423-7dup on transcript NM_001365951.3 (MANE Select); 7 bases into the intron before coding-DNA position 3423, one base duplicated (T; older notation c.3423-7dupT).
Molecular consequence: intron variant.
Genome position (GRCh38, 1-based): chr1:10,339,762, T duplicated; the last of 8 consecutive T bases (chr1:10,339,755-10,339,762); duplicating any one gives the same sequence. VCF-style (leftmost placement, unchanged base first): chr1-10339754-A-AT. GRCh37 (hg19) VCF-style: chr1-10399812-A-AT.
Other names: c.3285-7dup (NM_015074.3); c.3423-7dup (NM_001365952.1); c.3285-7dupT (NM_015074.3).
Identifiers: ClinVar variation 3907017 (VCV003907017.1).